The following is an entry in ClinVar:

NM_000334.4(SCN4A):c.3649C>A (p.Gln1217Lys)

Genes: GH-LCR (growth hormone locus control region; plus strand), SCN4A (sodium voltage-gated channel alpha subunit 4; minus strand). Cytogenetic location: 17q23.3.
Variant type: single nucleotide variant.
Coding change: c.3649C>A on transcript NM_000334.4 (MANE Select); coding-DNA position 3649, C replaced by A.
Protein change: p.Gln1217Lys; replaces glutamine 1217 with lysine.
Molecular consequence: missense variant.
Genome position (GRCh38, 1-based): chr17:63,945,431, G>T on the plus strand (C>A on the coding strand, the complement: SCN4A is on the minus strand). VCF-style: chr17-63945431-G-T. GRCh37 (hg19) VCF-style: chr17-62022791-G-T.
Other names: short protein forms Q1217K.
Identifiers: ClinVar variation 2777273 (VCV002777273.3), dbSNP rs770493707, ClinGen allele CA8709215.
Genomic context (GRCh38, chr17:63,945,431, plus strand): 5'-GGGAGAGGTAGCCCAGACCCACGTTGTCGTAGTTGACCTTGACATTGAGCCAGCGGACCT[G>T]GCCTGTGTGCATGAGGCTCTCGCACTCAGACTTGTTGTTGACCTCGGAGATGTCGAACCT-3'
Protein context (NP_000325.4, residues 1207-1227): SECESLMHTG[Gln1217Lys]VRWLNVKVNY

ClinVar aggregate classification (germline): Uncertain significance (1 of 4 stars; one submission).

Conditions:
Hyperkalemic periodic paralysis. Also called: Familial hyperkalemic periodic paralysis; Gamstorp disease. Identifiers: Orphanet 682, MedGen C0238357, MONDO:0008224, OMIM 170500, HP:0007215.

Allele frequency attached by ClinVar (database versions not stated): ExAC 0.00001.
gnomAD v4.1: 2 of 1,613,808 alleles (0.00012%); highest among the groups gnomAD compares: African/African-American, 0.0027%; no homozygotes.

Submission:

Labcorp Genetics (formerly Invitae), Labcorp
Classification: Uncertain significance for Hyperkalemic periodic paralysis. Last evaluated: 2023-07-16. Review status: criteria provided, single submitter. Criteria: Invitae Variant Classification Sherloc (09022015). Collection method: clinical testing. Allele origin: germline.
Comment: This variant is present in population databases (rs770493707, gnomAD 0.007%). This sequence change replaces glutamine, which is neutral and polar, with lysine, which is basic and polar, at codon 1217 of the SCN4A protein (p.Gln1217Lys). This variant has not been reported in the literature in individuals affected with SCN4A-related conditions. In summary, the available evidence is currently insufficient to determine the role of this variant in disease. Therefore, it has been classified as a Variant of Uncertain Significance. Advanced modeling of protein sequence and biophysical properties (such as structural, functional, and spatial information, amino acid conservation, physicochemical variation, residue mobility, and thermodynamic stability) performed at Invitae indicates that this missense variant is not expected to disrupt SCN4A protein function.